The following is an entry in ClinVar:

ClinVar aggregate classification (germline): Uncertain significance (1 of 4 stars; one submission).

Conditions:
Geleophysic dysplasia 3. Identifiers: MedGen C4540511, MONDO:0054722, OMIM 617809.

Submission:

Institute of Human Genetics, University of Leipzig Medical Center
Classification: Uncertain significance for Geleophysic dysplasia 3. Last evaluated: 2025-03-04. Review status: criteria provided, single submitter. Criteria: ACMG Guidelines, 2015. Collection method: clinical testing. Allele origin: unknown. Affected: yes.
Comment: Criteria applied: PM2,PP3

NM_001130144.3(LTBP3):c.3036C>G (p.Asn1012Lys)

Genes: LTBP3 (latent transforming growth factor beta binding protein 3; minus strand), LOC121832793 (Sharpr-MPRA regulatory region 4001; plus strand). Cytogenetic location: 11q13.1.
Variant type: single nucleotide variant.
Coding change: c.3036C>G on transcript NM_001130144.3 (MANE Select); coding-DNA position 3036, C replaced by G.
Protein change: p.Asn1012Lys; replaces asparagine 1012 with lysine.
Molecular consequence: missense variant.
Genome position (GRCh38, 1-based): chr11:65,540,556, G>C on the plus strand (C>G on the coding strand, the complement: LTBP3 is on the minus strand). VCF-style: chr11-65540556-G-C. GRCh37 (hg19) VCF-style: chr11-65308027-G-C.
Other names: c.2685C>G, p.Asn895Lys (NM_001164266.1); c.3036C>G, p.Asn1012Lys (NM_021070.4); short protein forms N1012K, N895K.
Identifiers: ClinVar variation 3773666 (VCV003773666.2).